The following is an entry in ClinVar:

ClinVar aggregate classification (germline): Uncertain significance (1 of 4 stars; one submission).

gnomAD v4.1: 1 of 1,614,200 alleles (0.000062%); highest among the groups gnomAD compares: African/African-American, 0.0013%; no homozygotes.

Submission:

Laboratory for Molecular Medicine, Mass General Brigham Personalized Medicine
Classification: Uncertain significance. Last evaluated: 2018-08-21. Review status: criteria provided, single submitter. Criteria: LMM Criteria. Collection method: clinical testing. Allele origin: germline. Observed: 1 variant allele.
Comment: The p.Leu1692Met variant in TECTA has not been previously reported in individual s with hearing loss and was absent from large population studies. Computational prediction tools and conservation analysis do not provide strong support for or against an impact to the protein. In summary, the clinical significance of the p .Leu1692Met variant is uncertain. ACMG/AMP Criteria applied: PM2.

NM_005422.4(TECTA):c.5074C>A (p.Leu1692Met)

Genes: TBCEL-TECTA (TBCEL-TECTA readthrough; plus strand), TECTA (tectorin alpha; plus strand). Cytogenetic location: 11q23.3.
Variant type: single nucleotide variant.
Coding change: c.5074C>A on transcript NM_005422.4 (MANE Select); coding-DNA position 5074, C replaced by A.
Protein change: p.Leu1692Met; replaces leucine 1692 with methionine.
Molecular consequence: missense variant.
Genome position (GRCh38, 1-based): chr11:121,162,172, C>A. VCF-style: chr11-121162172-C-A. GRCh37 (hg19) VCF-style: chr11-121032881-C-A.
Other names: c.6016C>A, p.Leu2006Met (NM_001378761.1); short protein forms L1692M, L2006M.
Identifiers: ClinVar variation 666931 (VCV000666931.4), dbSNP rs1591461270, ClinGen allele CA383031644.